The following is an entry in ClinVar:

NM_001232.4(CASQ2):c.781T>C (p.Trp261Arg)

Gene: CASQ2 (calsequestrin 2; minus strand). Cytogenetic location: 1p13.1.
Variant type: single nucleotide variant.
Coding change: c.781T>C on transcript NM_001232.4 (MANE Select); coding-DNA position 781, T replaced by C.
Protein change: p.Trp261Arg; replaces tryptophan 261 with arginine.
Molecular consequence: missense variant.
Genome position (GRCh38, 1-based): chr1:115,725,510, A>G on the plus strand (T>C on the coding strand, the complement: CASQ2 is on the minus strand). VCF-style: chr1-115725510-A-G. GRCh37 (hg19) VCF-style: chr1-116268131-A-G.
Other names: short protein forms W261R.
Identifiers: ClinVar variation 44168 (VCV000044168.4), dbSNP rs397516642, ClinGen allele CA133709.

ClinVar aggregate classification (germline): Uncertain significance (1 of 4 stars; one submission).

Submission:

Laboratory for Molecular Medicine, Mass General Brigham Personalized Medicine
Classification: Uncertain significance. Last evaluated: 2012-06-11. Review status: criteria provided, single submitter. Criteria: LMM Criteria. Collection method: clinical testing. Allele origin: germline. Observed: 1 variant allele.
Comment: The Trp261Arg variant in CASQ2 has not been reported in the literature nor previ ously identified by our laboratory. Computational analyses (biochemical amino ac id properties, conservation, PolyPhen2, and SIFT) suggest that the Trp261Arg var iant may impact the protein, though this information is not predictive enough to determine pathogenicity. Additional information is needed to fully assess the clinical significance of this variant.